The following is an entry in ClinVar:

NM_020639.3(RIPK4):c.1511A>G (p.Gln504Arg)

Gene: RIPK4 (receptor interacting serine/threonine kinase 4; minus strand). Cytogenetic location: 21q22.3.
Variant type: single nucleotide variant.
Coding change: c.1511A>G on transcript NM_020639.3 (MANE Select); coding-DNA position 1511, A replaced by G.
Protein change: p.Gln504Arg; replaces glutamine 504 with arginine.
Molecular consequence: missense variant.
Genome position (GRCh38, 1-based): chr21:41,741,682, T>C on the plus strand (A>G on the coding strand, the complement: RIPK4 is on the minus strand). VCF-style: chr21-41741682-T-C. GRCh37 (hg19) VCF-style: chr21-43161842-T-C.
Other names: short protein forms Q504R.
Identifiers: ClinVar variation 1033541 (VCV001033541.1), dbSNP rs372327761, ClinGen allele CA10035283.

ClinVar aggregate classification (germline): Uncertain significance (1 of 4 stars; one submission).

Conditions:
Bartsocas-Papas syndrome 1. Also called: PTERYGIUM, POPLITEAL, LETHAL TYPE; MULTIPLE PTERYGIUM SYNDROME, ASLAN TYPE; Bartsocas-Papas syndrome. Identifiers: Orphanet 1234, MedGen C1849718, MONDO:0009901, OMIM 263650.

Allele frequency attached by ClinVar (database versions not stated): ExAC 0.00002; gnomAD 0.00003 and 0.00004; gnomAD exomes 0.00003 and 0.00004; TOPMed 0.00005; ESP Exome Variant Server 0.00008.
gnomAD v4.1: 44 of 1,613,672 alleles (0.0027%); highest among the groups gnomAD compares: Non-Finnish European, 0.003%; no homozygotes.

Submission:

Baylor Genetics
Classification: Uncertain significance for Bartsocas-Papas syndrome 1. Last evaluated: 2018-05-22. Review status: criteria provided, single submitter. Criteria: ACMG Guidelines, 2015. Collection method: clinical testing. Allele origin: paternal. Affected: yes.
Comment: This variant was determined to be of uncertain significance according to ACMG Guidelines, 2015 [PMID:25741868].